The following is an entry in ClinVar:

NM_000059.4(BRCA2):c.475G>C (p.Val159Leu)

Gene: BRCA2 (BRCA2 DNA repair associated; plus strand). Cytogenetic location: 13q13.1.
Variant type: single nucleotide variant.
Coding change: c.475G>C on transcript NM_000059.4 (MANE Select); coding-DNA position 475, G replaced by C.
Protein change: p.Val159Leu; replaces valine 159 with leucine.
Molecular consequence: missense variant.
Genome position (GRCh38, 1-based): chr13:32,326,150, G>C. VCF-style: chr13-32326150-G-C. GRCh37 (hg19) VCF-style: chr13-32900287-G-C.
Other names: short protein forms V159L.
Identifiers: ClinVar variation 438984 (VCV000438984.7), dbSNP rs80358702, ClinGen allele CA387757259.
Genomic context (GRCh38, chr13:32,326,150, plus strand): 5'-TTTTATTTTAGTCCTGTTGTTCTACAATGTACACATGTAACACCACAAAGAGATAAGTCA[G>C]GTATGATTAAAAACAATGCTTTTTATTCTTAGAATACTAGAAATGTTAATAAAAATAAAA-3'
Protein context (NP_000050.3, residues 149-169): THVTPQRDKS[Val159Leu]VCGSLFHTPK

ClinVar aggregate classification (germline): Conflicting classifications of pathogenicity. Review status: criteria provided, conflicting classifications (1 of 4 stars). 3 submissions from 3 submitters: Pathogenic (2); Uncertain significance (1). Last evaluated 2026-01-26.

Conditions:
Hereditary cancer-predisposing syndrome. Also called: Hereditary neoplastic syndrome; Hereditary Cancer Syndrome; Tumor predisposition; Neoplastic Syndromes, Hereditary. Identifiers: Orphanet 140162, MedGen C0027672, MeSH D009386, MONDO:0015356.
Hereditary breast ovarian cancer syndrome. Also called: Breast and ovarian cancer; Hereditary breast and ovarian cancer; BRCA1- and BRCA2-Associated Hereditary Breast and Ovarian Cancer; Hereditary breast and/or ovarian cancer syndrome; Hereditary breast and ovarian cancer syndrome; Hereditary breast and ovarian cancer syndrome (HBOC). Identifiers: Orphanet 145, MedGen C0677776, MeSH D061325, MONDO:0003582. Disease mechanism: loss of function.

Submissions (3):

Labcorp Genetics (formerly Invitae), Labcorp
Classification: Pathogenic for Hereditary breast ovarian cancer syndrome. Last evaluated: 2026-01-26. Review status: criteria provided, single submitter. Criteria: Invitae Variant Classification Sherloc (09022015). Collection method: clinical testing. Allele origin: germline.
Comment: This sequence change replaces valine, which is neutral and non-polar, with leucine, which is neutral and non-polar, at codon 159 of the BRCA2 protein (p.Val159Leu). RNA analysis indicates that this missense change induces altered splicing and may result in an absent or altered protein product. This variant is not present in population databases (gnomAD no frequency). This variant has not been reported in the literature in individuals affected with BRCA2-related conditions. ClinVar contains an entry for this variant (Variation ID: 438984). An algorithm developed to predict the effect of missense changes on protein structure and function (PolyPhen-2) suggests that this variant is likely to be disruptive. Variants that disrupt the consensus splice site are a relatively common cause of aberrant splicing (PMID: 17576681, 9536098). Studies have shown that this missense change results in skipping of exon 5, and produces a non-functional protein and/or introduces a premature termination codon (internal data). This variant disrupts the c.475G nucleotide in the BRCA2 gene. Other variant(s) that disrupt this nucleotide have been determined to be pathogenic (PMID: 18489799, 25863477, 29446198). This suggests that this nucleotide is clinically significant, and that variants that disrupt this position are likely to be disease-causing. For these reasons, this variant has been classified as Pathogenic.

Ambry Genetics
Classification: Pathogenic for Hereditary cancer-predisposing syndrome. Last evaluated: 2025-09-11. Review status: criteria provided, single submitter. Criteria: Ambry Variant Classification Scheme 2023. Collection method: clinical testing. Allele origin: germline.
Comment: The c.475G>C pathogenic mutation (also known as p.V159L), located in coding exon 4 of the BRCA2 gene, results from a G to C substitution at nucleotide position 475. The amino acid change results in valine to leucine at codon 159, an amino acid with highly similar properties. However, this change occurs in the last base pair of coding exon 4, which makes it likely to have some effect on normal mRNA splicing. Another variant impacting the same donor site (c.475+1G>T) has been shown to have a similar impact on splicing in individuals with features consistent with BRCA2-related cancer predisposition (Parsons MT et al. Hum Mutat, 2019 09;40:1557-1578; Ambry internal data). This nucleotide position is highly conserved in available vertebrate species. In silico splice site analysis predicts that this alteration will weaken the native splice donor site. RNA studies have demonstrated that this alteration results in abnormal splicing in the set of samples tested (Ambry internal data). This variant is considered to be rare based on population cohorts in the Genome Aggregation Database (gnomAD). Based on the supporting evidence, this variant is interpreted as a disease-causing mutation.

Quest Diagnostics Nichols Institute San Juan Capistrano
Classification: Uncertain significance. Last evaluated: 2017-04-06. Review status: criteria provided, single submitter. Criteria: Quest Diagnostics criteria. Collection method: clinical testing. Allele origin: germline.

Literature cited by the submitters: PubMed 17576681 (cited by Labcorp Genetics (formerly Invitae), Labcorp); PubMed 9536098 (cited by Labcorp Genetics (formerly Invitae), Labcorp); PubMed 18489799 (cited by Labcorp Genetics (formerly Invitae), Labcorp); PubMed 25863477 (cited by Labcorp Genetics (formerly Invitae), Labcorp); PubMed 29446198 (cited by Labcorp Genetics (formerly Invitae), Labcorp).